The following is an entry in ClinVar:

ClinVar aggregate classification (germline): Pathogenic. Review status: criteria provided, multiple submitters, no conflicts (2 of 4 stars). 2 submissions from 2 submitters: Pathogenic (2). Last evaluated 2026-09-08.

Conditions:
Fabry disease. Also called: GLA DEFICIENCY; Fabry's disease; ALPHA-GALACTOSIDASE A DEFICIENCY; ANDERSON-FABRY DISEASE; CERAMIDE TRIHEXOSIDASE DEFICIENCY; Ceramide trihexosidosis. Identifiers: Orphanet 324, MedGen C0002986, MONDO:0010526, OMIM 301500, HP:0001071. Disease mechanism: Fabry disease is due to inactivating mutations in the X-linked GLA gene resulting in deficiency of the enzyme Alpha Galactosidase-A., loss of function.

Submissions (2):

Genomenon, Inc
Classification: Pathogenic for Fabry disease. Last evaluated: 2026-09-08. Review status: criteria provided, single submitter. Criteria: Genomenon Sequence Variant Interpretation Standards - Updated. Collection method: curation. Allele origin: germline. Affected: yes.
Comment: GLA p.Asn224Asp (c.670A>G) is a missense variant that changes the amino acid at codon 224 from Asparagine to Aspartic acid. This variant has been observed in at least one proband with clinical features consistent with Fabry disease (PMID:30594474;10208848;9452111). At least one functional study has demonstrated a substantial alteration in protein function relative to the wild-type (PMID:27657681). This variant is located in a mutational hotspot and/or important functional domain. It is absent or not present at a significant frequency in gnomAD. In silico models predict that this variant is possibly or probably damaging. In conclusion, we classify GLA p.Asn224Asp (c.670A>G) as a pathogenic variant.

Eurofins Ntd Llc (ga)
Classification: Pathogenic. Last evaluated: 2017-01-16. Review status: criteria provided, single submitter. Criteria: EGL Classification Definitions 2015. Collection method: clinical testing. Allele origin: germline. Observed: 1 variant allele, 1 heterozygote.

Literature cited by the submitters: PubMed 30594474 (cited by Genomenon, Inc); PubMed 10208848 (cited by Genomenon, Inc); PubMed 9452111 (cited by Genomenon, Inc); PubMed 27657681 (cited by Genomenon, Inc).

NM_000169.3(GLA):c.670A>G (p.Asn224Asp)

Genes: GLA (galactosidase alpha; minus strand), RPL36A-HNRNPH2 (RPL36A-HNRNPH2 readthrough; plus strand). Cytogenetic location: Xq22.1.
Variant type: single nucleotide variant.
Coding change: c.670A>G on transcript NM_000169.3 (MANE Select); coding-DNA position 670, A replaced by G.
Protein change: p.Asn224Asp; replaces asparagine 224 with aspartic acid.
Molecular consequence: missense variant. On other transcripts: non-coding transcript variant (3), intron variant (2).
Genome position (GRCh38, 1-based): chrX:101,398,916, T>C on the plus strand (A>G on the coding strand, the complement: GLA is on the minus strand). VCF-style: chrX-101398916-T-C. GRCh37 (hg19) VCF-style: chrX-100653904-T-C.
Other names: c.793A>G, p.Asn265Asp (NM_001406747.1); c.670A>G, p.Asn224Asp (NM_001406748.1); c.300+3459T>C (NM_001199973.2); c.177+7094T>C (NM_001199974.2); short protein forms N224D, N265D.
Identifiers: ClinVar variation 499855 (VCV000499855.7), dbSNP rs1555985175, ClinGen allele CA413924981.